The following is an entry in ClinVar:

NM_024656.4(COLGALT1):c.1470C>T (p.Ala490=)

Gene: COLGALT1 (collagen beta(1-O)galactosyltransferase 1; plus strand). Cytogenetic location: 19p13.11.
Variant type: single nucleotide variant.
Coding change: c.1470C>T on transcript NM_024656.4 (MANE Select); coding-DNA position 1470, C replaced by T.
Protein change: p.Ala490=; no amino-acid change (alanine 490 retained).
Molecular consequence: synonymous variant.
Genome position (GRCh38, 1-based): chr19:17,580,774, C>T. VCF-style: chr19-17580774-C-T. GRCh37 (hg19) VCF-style: chr19-17691583-C-T.
Other names: c.1470C>T (NM_024656.3).
Identifiers: ClinVar variation 2054407 (VCV002054407.6), dbSNP rs200996348, ClinGen allele CA9297325.

ClinVar aggregate classification (germline): Benign. Review status: criteria provided, single submitter (1 of 4 stars). 2 submissions from 2 submitters: Benign (1). 1 of the submissions does not count toward it. Last evaluated 2025-11-16.

Conditions:
COLGALT1-related disorder. Also called: COLGALT1-related condition.

Allele frequency attached by ClinVar (database versions not stated): gnomAD 0.00014; 1000 Genomes Project 30x 0.00016; 1000 Genomes Project 0.00020; ExAC 0.00024.
gnomAD v4.1: 111 of 1,614,064 alleles (0.0069%); highest among the groups gnomAD compares: East Asian, 0.098%; no homozygotes.

Submissions (2):

Labcorp Genetics (formerly Invitae), Labcorp
Classification: Benign. Last evaluated: 2025-11-16. Review status: criteria provided, single submitter. Criteria: Invitae Variant Classification Sherloc (09022015). Collection method: clinical testing. Allele origin: germline.

PreventionGenetics, part of Exact Sciences
Classification: Likely benign for COLGALT1-related condition. Last evaluated: 2020-09-17. Review status: no assertion criteria provided. Collection method: clinical testing. Allele origin: germline. Not counted in ClinVar's aggregate classification.
Comment: This variant is classified as likely benign based on ACMG/AMP sequence variant interpretation guidelines (Richards et al. 2015 PMID: 25741868, with internal and published modifications).